The following is an entry in ClinVar:

NM_017649.5(CNNM2):c.25C>T (p.Pro9Ser)

Gene: CNNM2 (cyclin and CBS domain divalent metal cation transport mediator 2; plus strand). Cytogenetic location: 10q24.32.
Variant type: single nucleotide variant.
Coding change: c.25C>T on transcript NM_017649.5 (MANE Select); coding-DNA position 25, C replaced by T.
Protein change: p.Pro9Ser; replaces proline 9 with serine.
Molecular consequence: missense variant.
Genome position (GRCh38, 1-based): chr10:102,918,505, C>T. VCF-style: chr10-102918505-C-T. GRCh37 (hg19) VCF-style: chr10-104678262-C-T.
Other names: c.25C>T, p.Pro9Ser (NM_199076.3, NM_199077.3); short protein forms P9S.
Identifiers: ClinVar variation 4719851 (VCV004719851.1).

ClinVar aggregate classification (germline): Uncertain significance (1 of 4 stars; one submission).

Submission:

Labcorp Genetics (formerly Invitae), Labcorp
Classification: Uncertain significance. Last evaluated: 2025-06-11. Review status: criteria provided, single submitter. Criteria: Invitae Variant Classification Sherloc (09022015). Collection method: clinical testing. Allele origin: germline.
Comment: This sequence change replaces proline, which is neutral and non-polar, with serine, which is neutral and polar, at codon 9 of the CNNM2 protein (p.Pro9Ser). This variant is not present in population databases (gnomAD no frequency). This variant has not been reported in the literature in individuals affected with CNNM2-related conditions. An algorithm developed to predict the effect of missense changes on protein structure and function (PolyPhen-2) suggests that this variant is likely to be disruptive. In summary, the available evidence is currently insufficient to determine the role of this variant in disease. Therefore, it has been classified as a Variant of Uncertain Significance.